The following is an entry in ClinVar:

ClinVar aggregate classification (germline): Uncertain significance (1 of 4 stars; one submission).

gnomAD v4.1: 2 of 1,608,612 alleles (0.00012%); highest among the groups gnomAD compares: East Asian, 0.0022%; no homozygotes.

Submission:

Labcorp Genetics (formerly Invitae), Labcorp
Classification: Uncertain significance. Last evaluated: 2022-10-08. Review status: criteria provided, single submitter. Criteria: Invitae Variant Classification Sherloc (09022015). Collection method: clinical testing. Allele origin: germline.
Comment: In summary, the available evidence is currently insufficient to determine the role of this variant in disease. Therefore, it has been classified as a Variant of Uncertain Significance. Advanced modeling of protein sequence and biophysical properties (such as structural, functional, and spatial information, amino acid conservation, physicochemical variation, residue mobility, and thermodynamic stability) performed at Invitae indicates that this missense variant is not expected to disrupt HOXD13 protein function. This variant has not been reported in the literature in individuals affected with HOXD13-related conditions. The frequency data for this variant in the population databases is considered unreliable, as metrics indicate poor data quality at this position in the gnomAD database. This sequence change replaces alanine, which is neutral and non-polar, with valine, which is neutral and non-polar, at codon 97 of the HOXD13 protein (p.Ala97Val).

NM_000523.4(HOXD13):c.290C>T (p.Ala97Val)

Gene: HOXD13 (homeobox D13; plus strand). Cytogenetic location: 2q31.1.
Variant type: single nucleotide variant.
Coding change: c.290C>T on transcript NM_000523.4 (MANE Select); coding-DNA position 290, C replaced by T.
Protein change: p.Ala97Val; replaces alanine 97 with valine.
Molecular consequence: missense variant.
Genome position (GRCh38, 1-based): chr2:176,093,180, C>T. VCF-style: chr2-176093180-C-T. GRCh37 (hg19) VCF-style: chr2-176957908-C-T.
Other names: short protein forms A97V.
Identifiers: ClinVar variation 1919289 (VCV001919289.5), dbSNP rs562638200, ClinGen allele CA349352445.